The following is an entry in ClinVar:

NM_001378454.1(ALMS1):c.11646_11649dup (p.Asn3884fs)

Gene: ALMS1 (ALMS1 centrosome and basal body associated protein; plus strand). Cytogenetic location: 2p13.1.
Variant type: Duplication.
Coding change: c.11646_11649dup on transcript NM_001378454.1 (MANE Select); coding-DNA positions 11646 to 11649, 4 bases duplicated (GTTA; older notation c.11646_11649dupGTTA).
Protein change: p.Asn3884fs; shifts the reading frame from asparagine 3884.
Molecular consequence: frameshift variant.
Genome position (GRCh38, 1-based): chr2:73,599,499-73,599,502, GTTA duplicated. VCF-style (leftmost placement, unchanged base first): chr2-73599498-T-TGTTA. GRCh37 (hg19) VCF-style: chr2-73826625-T-TGTTA.
Other names: c.11648_11649insGTTA (NM_015120.4); c.11649_11652dup, p.Asn3885fs (NM_015120.4); short protein forms N3884fs, N3885fs.
Identifiers: ClinVar variation 1297098 (VCV001297098.2), dbSNP rs2104189255, ClinGen allele CA2499216266.

ClinVar aggregate classification (germline): Likely pathogenic (1 of 4 stars; one submission).

Conditions:
Retinitis pigmentosa (RP). Identifiers: Orphanet 791, MedGen C0035334, MeSH D012174, MONDO:0019200, OMIM 268000. Inheritance: Autosomal dominant, autosomal recessive and X linked inheritance.

Submission:

Broad Center for Mendelian Genomics, Broad Institute of MIT and Harvard
Classification: Likely pathogenic for Retinitis pigmentosa. Last evaluated: 2021-04-01. Review status: criteria provided, single submitter. Criteria: ACMG Guidelines, 2015. Collection method: curation. Allele origin: germline. Inheritance: Autosomal recessive inheritance. Affected: yes.
Comment: Through a review of available evidence we were able to apply the following criteria: PVS1, PM2. Based on this evidence we have classified this variant as Likely Pathogenic. If you have any questions about the classification please reach out to the Pierce Lab.

Literature cited by the submitters: PubMed 34906470; PubMed 25846608.